The following is an entry in ClinVar:

NM_001243279.3(ACSF3):c.1720del (p.His574fs)

Gene: ACSF3 (acyl-CoA synthetase family member 3; plus strand). Cytogenetic location: 16q24.3.
Variant type: Deletion.
Coding change: c.1720del on transcript NM_001243279.3 (MANE Select); coding-DNA position 1720, one base deleted (C; older notation c.1720delC).
Protein change: p.His574fs; shifts the reading frame from histidine 574.
Molecular consequence: frameshift variant. On other transcripts: non-coding transcript variant (4).
Genome position (GRCh38, 1-based): chr16:89,154,196, C deleted; the last of 2 consecutive C bases (chr16:89,154,195-89,154,196); deleting either gives the same sequence. VCF-style (leftmost placement, unchanged base first): chr16-89154194-TC-T. GRCh37 (hg19) VCF-style: chr16-89220602-TC-T.
Other names: c.1720del, p.His574fs (NM_001127214.4, NM_174917.5); c.925del, p.His309fs (NM_001284316.2); short protein forms H574fs, H309fs.
Identifiers: ClinVar variation 1906369 (VCV001906369.4), dbSNP rs1471702467, ClinGen allele CA624226922.

ClinVar aggregate classification (germline): Uncertain significance (1 of 4 stars; one submission).

Conditions:
Combined malonic and methylmalonic acidemia. Identifiers: Orphanet 289504, MedGen C3280314, MONDO:0013661, OMIM 614265.

Submission:

Labcorp Genetics (formerly Invitae), Labcorp
Classification: Uncertain significance for Combined malonic and methylmalonic acidemia. Last evaluated: 2026-01-12. Review status: criteria provided, single submitter. Criteria: Invitae Variant Classification Sherloc (09022015). Collection method: clinical testing. Allele origin: germline.
Comment: This sequence change is expected to alter the c-terminus of the ACSF3 protein (p.His574Thrfs*98). While this is not anticipated to result in nonsense mediated decay, it is expected to disrupt the last 3 amino acid(s) of the ACSF3 protein and extend the protein by 94 additional amino acid residues. This variant is present in population databases (no rsID available, gnomAD 0.003%). This variant has not been reported in the literature in individuals affected with ACSF3-related conditions. ClinVar contains an entry for this variant (Variation ID: 1906369). In summary, the available evidence is currently insufficient to determine the role of this variant in disease. Therefore, it has been classified as a Variant of Uncertain Significance.